The following is an entry in ClinVar:

NM_177438.3(DICER1):c.4478C>G (p.Pro1493Arg)

Gene: DICER1 (dicer 1, ribonuclease III; minus strand). Cytogenetic location: 14q32.13.
Variant type: single nucleotide variant.
Coding change: c.4478C>G on transcript NM_177438.3 (MANE Select); coding-DNA position 4478, C replaced by G.
Protein change: p.Pro1493Arg; replaces proline 1493 with arginine.
Molecular consequence: missense variant. On other transcripts: non-coding transcript variant (6).
Genome position (GRCh38, 1-based): chr14:95,096,442, G>C on the plus strand (C>G on the coding strand, the complement: DICER1 is on the minus strand). VCF-style: chr14-95096442-G-C. GRCh37 (hg19) VCF-style: chr14-95562779-G-C.
Other names: c.4478C>G, p.Pro1493Arg (NM_030621.4, NM_001195573.1, NM_001271282.3 and 12 more transcripts); c.4196C>G, p.Pro1399Arg (NM_001395686.1); c.4073C>G, p.Pro1358Arg (NM_001395687.1, NM_001395688.1, NM_001395689.1 and 2 more transcripts); c.3911C>G, p.Pro1304Arg (NM_001395691.1); c.2795C>G, p.Pro932Arg (NM_001395697.1); short protein forms P1358R, P1493R, P1304R, P1399R, P932R.
Identifiers: ClinVar variation 4637864 (VCV004637864.2).

ClinVar aggregate classification (germline): Uncertain significance. Review status: criteria provided, multiple submitters, no conflicts (2 of 4 stars). 2 submissions from 2 submitters: Uncertain significance (2). Last evaluated 2025-12-07.

Conditions:
Hereditary cancer-predisposing syndrome. Also called: Hereditary neoplastic syndrome; Hereditary Cancer Syndrome; Neoplastic Syndromes, Hereditary; Tumor predisposition. Identifiers: Orphanet 140162, MedGen C0027672, MeSH D009386, MONDO:0015356.
DICER1-related tumor predisposition. Also called: DICER1-related pleuropulmonary blastoma cancer predisposition syndrome; DICER1 syndrome. Identifiers: Orphanet 284343, MedGen C3839822, MONDO:0100216.

Submissions (2):

Ambry Genetics
Classification: Uncertain significance for Hereditary cancer-predisposing syndrome. Last evaluated: 2025-12-07. Review status: criteria provided, single submitter. Criteria: Ambry Variant Classification Scheme 2023. Collection method: clinical testing. Allele origin: germline.
Comment: The p.P1493R variant (also known as c.4478C>G), located in coding exon 22 of the DICER1 gene, results from a C to G substitution at nucleotide position 4478. The proline at codon 1493 is replaced by arginine, an amino acid with dissimilar properties. This amino acid position is conserved. In addition, the in silico prediction for this alteration is inconclusive. Based on the available evidence, the clinical significance of this variant remains unclear.

Labcorp Genetics (formerly Invitae), Labcorp
Classification: Uncertain significance for DICER1-related tumor predisposition. Last evaluated: 2025-03-05. Review status: criteria provided, single submitter. Criteria: Invitae Variant Classification Sherloc (09022015). Collection method: clinical testing. Allele origin: germline.
Comment: This sequence change replaces proline, which is neutral and non-polar, with arginine, which is basic and polar, at codon 1493 of the DICER1 protein (p.Pro1493Arg). This variant is not present in population databases (gnomAD no frequency). This variant has not been reported in the literature in individuals affected with DICER1-related conditions. Invitae Evidence Modeling of protein sequence and biophysical properties (such as structural, functional, and spatial information, amino acid conservation, physicochemical variation, residue mobility, and thermodynamic stability) indicates that this missense variant is not expected to disrupt DICER1 protein function with a negative predictive value of 95%. In summary, the available evidence is currently insufficient to determine the role of this variant in disease. Therefore, it has been classified as a Variant of Uncertain Significance.